The following is an entry in ClinVar:

NM_001367479.1(DNAH14):c.9656C>T (p.Ala3219Val)

Gene: DNAH14 (dynein axonemal heavy chain 14; plus strand). Cytogenetic location: 1q42.12.
Variant type: single nucleotide variant.
Coding change: c.9656C>T on transcript NM_001367479.1 (MANE Select); coding-DNA position 9656, C replaced by T.
Protein change: p.Ala3219Val; replaces alanine 3219 with valine.
Molecular consequence: missense variant.
Genome position (GRCh38, 1-based): chr1:225,324,765, C>T. VCF-style: chr1-225324765-C-T. GRCh37 (hg19) VCF-style: chr1-225512467-C-T.
Other names: NM_001373.1:c.9377C>T; short protein forms A3219V.
Identifiers: ClinVar variation 3272672 (VCV003272672.3).

ClinVar aggregate classification (germline): Uncertain significance. Review status: criteria provided, multiple submitters, no conflicts (2 of 4 stars). 2 submissions from 2 submitters: Uncertain significance (2). Last evaluated 2026-05-07.

gnomAD v4.1: 20 of 1,551,316 alleles (0.0013%); highest among the groups gnomAD compares: African/African-American, 0.022%; no homozygotes.

Submissions (2):

GeneDx
Classification: Uncertain significance. Last evaluated: 2026-05-07. Review status: criteria provided, single submitter. Criteria: GeneDx Variant Classification Process June 2021. Collection method: clinical testing. Allele origin: germline.
Comment: In silico analysis supports that this missense variant has a deleterious effect on protein structure/function; Has not been previously published as pathogenic or benign to our knowledge

Ambry Genetics
Classification: Uncertain significance. Last evaluated: 2024-06-13. Review status: criteria provided, single submitter. Criteria: Ambry Variant Classification Scheme 2023. Collection method: clinical testing. Allele origin: germline.